The following is an entry in ClinVar:

ClinVar aggregate classification (germline): Uncertain significance (1 of 4 stars; one submission).

gnomAD v4.1: 12 of 1,431,860 alleles (0.00084%); highest among the groups gnomAD compares: Admixed American, 0.0064%; no homozygotes.

Submission:

Labcorp Genetics (formerly Invitae), Labcorp
Classification: Uncertain significance. Last evaluated: 2022-07-26. Review status: criteria provided, single submitter. Criteria: Invitae Variant Classification Sherloc (09022015). Collection method: clinical testing. Allele origin: germline.
Comment: In summary, the available evidence is currently insufficient to determine the role of this variant in disease. Therefore, it has been classified as a Variant of Uncertain Significance. Variants that disrupt the consensus splice site are a relatively common cause of aberrant splicing (PMID: 17576681, 9536098). Algorithms developed to predict the effect of sequence changes on RNA splicing suggest that this variant is not likely to affect RNA splicing. ClinVar contains an entry for this variant (Variation ID: 1411638). This variant has not been reported in the literature in individuals affected with ADGRV1-related conditions. This variant is not present in population databases (gnomAD no frequency). This sequence change falls in intron 78 of the ADGRV1 gene. It does not directly change the encoded amino acid sequence of the ADGRV1 protein. It affects a nucleotide within the consensus splice site.

Literature cited by the submitters: PubMed 17576681; PubMed 9536098.

NM_032119.4(ADGRV1):c.17020-3C>T

Gene: ADGRV1 (adhesion G protein-coupled receptor V1; plus strand). Cytogenetic location: 5q14.3.
Variant type: single nucleotide variant.
Coding change: c.17020-3C>T on transcript NM_032119.4 (MANE Select); 3 bases into the intron before coding-DNA position 17020, C replaced by T.
Molecular consequence: intron variant.
Genome position (GRCh38, 1-based): chr5:90,848,634, C>T. VCF-style: chr5-90848634-C-T. GRCh37 (hg19) VCF-style: chr5-90144451-C-T.
Identifiers: ClinVar variation 1411638 (VCV001411638.6), dbSNP rs2150388116, ClinGen allele CA2573140035.